The following is an entry in ClinVar:

ClinVar aggregate classification (germline): Uncertain significance (1 of 4 stars; one submission).

Conditions:
Charcot-Marie-Tooth disease axonal type 2L. Also called: CHARCOT-MARIE-TOOTH DISEASE, AXONAL, AUTOSOMAL DOMINANT, TYPE 2L; CHARCOT-MARIE-TOOTH NEUROPATHY, AXONAL, TYPE 2L; Charcot-Marie-Tooth Neuropathy Type 2L. Identifiers: Orphanet 99945, MedGen C1837552, MONDO:0012096, OMIM 608673.

Submission:

Labcorp Genetics (formerly Invitae), Labcorp
Classification: Uncertain significance for Charcot-Marie-Tooth disease axonal type 2L. Last evaluated: 2022-06-28. Review status: criteria provided, single submitter. Criteria: Invitae Variant Classification Sherloc (09022015). Collection method: clinical testing. Allele origin: germline.
Comment: This variant is not present in population databases (gnomAD no frequency). In summary, the available evidence is currently insufficient to determine the role of this variant in disease. Therefore, it has been classified as a Variant of Uncertain Significance. Algorithms developed to predict the effect of missense changes on protein structure and function are either unavailable or do not agree on the potential impact of this missense change (SIFT: "Deleterious"; PolyPhen-2: "Possibly Damaging"; Align-GVGD: "Class C0"). This variant has not been reported in the literature in individuals affected with HSPB8-related conditions. This sequence change replaces proline, which is neutral and non-polar, with leucine, which is neutral and non-polar, at codon 73 of the HSPB8 protein (p.Pro73Leu).

NM_014365.3(HSPB8):c.218C>T (p.Pro73Leu)

Gene: HSPB8 (heat shock protein family B (small) member 8; plus strand). Cytogenetic location: 12q24.23.
Variant type: single nucleotide variant.
Coding change: c.218C>T on transcript NM_014365.3 (MANE Select); coding-DNA position 218, C replaced by T.
Protein change: p.Pro73Leu; replaces proline 73 with leucine.
Molecular consequence: missense variant.
Genome position (GRCh38, 1-based): chr12:119,179,530, C>T. VCF-style: chr12-119179530-C-T. GRCh37 (hg19) VCF-style: chr12-119617335-C-T.
Other names: short protein forms P73L.
Identifiers: ClinVar variation 2006912 (VCV002006912.4), dbSNP rs1277387857, ClinGen allele CA386525450.